The following is an entry in ClinVar:

ClinVar aggregate classification (germline): Pathogenic/Likely pathogenic. Review status: criteria provided, multiple submitters, no conflicts (2 of 4 stars). 3 submissions from 3 submitters: Pathogenic (1); Likely pathogenic (2). Last evaluated 2026-04-27.

Conditions:
Epilepsy. Also called: Seizure disorder. Identifiers: MedGen C0014544, MeSH D004827, MONDO:0005027.

Submissions (3):

Cytogénomique, Hospices Civils de Lyon
Classification: Pathogenic for Epilepsy. Last evaluated: 2026-04-27. Review status: criteria provided, single submitter. Criteria: ACMG Guidelines, 2015. Collection method: clinical testing. Allele origin: germline. Affected: yes.

GeneDx
Classification: Likely pathogenic. Last evaluated: 2021-06-28. Review status: criteria provided, single submitter. Criteria: GeneDx Variant Classification Process June 2021. Collection method: clinical testing. Allele origin: germline. Affected: yes.
Comment: Not observed in large population cohorts (Lek et al., 2016); The majority of missense variants in this gene are considered pathogenic [(Stenson et al., 2014; other references)]; In silico analysis, which includes protein predictors and evolutionary conservation, supports a deleterious effect; This substitution is predicted to be within the transmembrane segment S1 of the forth homologous domain This variant is associated with the following publications: (PMID: 30968951, 31887642, 32090326)

Mayo Clinic Laboratories, Mayo Clinic
Classification: Likely pathogenic. Last evaluated: 2021-04-08. Review status: criteria provided, single submitter. Criteria: ACMG Guidelines, 2015. Collection method: clinical testing. Allele origin: germline.
Comment: PM2, PM6, PP2, PP3

Literature cited by the submitters: PubMed 30968951 (cited by Mayo Clinic Laboratories, Mayo Clinic); PubMed 32090326 (cited by Mayo Clinic Laboratories, Mayo Clinic); PubMed 31887642 (cited by Mayo Clinic Laboratories, Mayo Clinic).

NM_001330260.2(SCN8A):c.4585A>G (p.Met1529Val)

Gene: SCN8A (sodium voltage-gated channel alpha subunit 8; plus strand). Cytogenetic location: 12q13.13.
Variant type: single nucleotide variant.
Coding change: c.4585A>G on transcript NM_001330260.2 (MANE Select); coding-DNA position 4585, A replaced by G.
Protein change: p.Met1529Val; replaces methionine 1529 with valine.
Molecular consequence: missense variant.
Genome position (GRCh38, 1-based): chr12:51,794,431, A>G. VCF-style: chr12-51794431-A-G. GRCh37 (hg19) VCF-style: chr12-52188215-A-G.
Other names: p.Met1529Val; c.4462A>G, p.Met1488Val (NM_001177984.3, NM_001369788.1); c.4585A>G, p.Met1529Val (NM_014191.4); short protein forms M1488V, M1529V.
Identifiers: ClinVar variation 1216663 (VCV001216663.8), dbSNP rs2138919124, ClinGen allele CA384878706.